The following is an entry in ClinVar:

ClinVar aggregate classification (germline): Likely benign. Review status: criteria provided, multiple submitters, no conflicts (2 of 4 stars). 3 submissions from 3 submitters: Likely benign (3). Last evaluated 2025-12-09.

Conditions:
Cardiomyopathy (CMYO). Also called: Cardiomyopathies. Identifiers: Orphanet 167848, MedGen C0878544, MONDO:0004994, HP:0001638. Inheritance: Various modes of inheritance.
Hypertrophic cardiomyopathy. Also called: HYPERTROPHIC MYOCARDIOPATHY. Identifiers: Orphanet 217569, MedGen C0007194, MeSH D002312, MONDO:0005045, HP:0001639.

gnomAD v4.1: 2 of 1,614,206 alleles (0.00012%); highest among the groups gnomAD compares: Non-Finnish European, 0.00017%; no homozygotes.

Submissions (3):

Labcorp Genetics (formerly Invitae), Labcorp
Classification: Likely benign for Hypertrophic cardiomyopathy. Last evaluated: 2025-12-09. Review status: criteria provided, single submitter. Criteria: Invitae Variant Classification Sherloc (09022015). Collection method: clinical testing. Allele origin: germline.

All of Us Research Program, National Institutes of Health
Classification: Likely benign for Cardiomyopathy. Last evaluated: 2023-10-02. Review status: criteria provided, single submitter. Criteria: ACMG Guidelines, 2015. Collection method: clinical testing. Allele origin: germline. Inheritance: Autosomal dominant inheritance. Observed: 1 variant allele, 1 heterozygote.
Comment: This study involves interpretation of variants in research participants for the purpose of population health screening. Participant phenotype was not available at the time of variant classification. Additional details can be found in publication PMID: 35346344, PMCID: PMC8962531

Color Diagnostics, LLC DBA Color Health
Classification: Likely benign for Cardiomyopathy. Last evaluated: 2019-11-20. Review status: criteria provided, single submitter. Criteria: ACMG Guidelines, 2015. Collection method: clinical testing. Allele origin: germline.

NM_000257.4(MYH7):c.4419G>A (p.Glu1473=)

Genes: MHRT (myosin heavy chain associated RNA transcript; plus strand), MYH7 (myosin heavy chain 7; minus strand). Cytogenetic location: 14q11.2.
Variant type: single nucleotide variant.
Coding change: c.4419G>A on transcript NM_000257.4 (MANE Select); coding-DNA position 4419, G replaced by A.
Protein change: p.Glu1473=; no amino-acid change (glutamic acid 1473 retained).
Molecular consequence: synonymous variant. On other transcripts: non-coding transcript variant (1).
Genome position (GRCh38, 1-based): chr14:23,417,253, C>T on the plus strand (G>A on the coding strand, the complement: MYH7 is on the minus strand). VCF-style: chr14-23417253-C-T. GRCh37 (hg19) VCF-style: chr14-23886462-C-T.
Identifiers: ClinVar variation 919457 (VCV000919457.11), dbSNP rs1892255907, ClinGen allele CA485617505.